The following is an entry in ClinVar:

NM_001737.5(C9):c.460C>T (p.Arg154Ter)

Gene: C9 (complement C9; minus strand). Cytogenetic location: 5p13.1.
Variant type: single nucleotide variant.
Coding change: c.460C>T on transcript NM_001737.5 (MANE Select); coding-DNA position 460, C replaced by T.
Protein change: p.Arg154Ter; replaces arginine 154 with a stop codon.
Molecular consequence: nonsense.
Genome position (GRCh38, 1-based): chr5:39,341,162, G>A on the plus strand (C>T on the coding strand, the complement: C9 is on the minus strand). VCF-style: chr5-39341162-G-A. GRCh37 (hg19) VCF-style: chr5-39341264-G-A.
Other names: C9, ARG133TER; R133*; short protein forms R154*.
Identifiers: ClinVar variation 1029525 (VCV001029525.14), dbSNP rs144138616, ClinGen allele CA3247009.

ClinVar aggregate classification (germline): Pathogenic/Likely pathogenic. Review status: criteria provided, multiple submitters, no conflicts (2 of 4 stars). 6 submissions from 6 submitters: Pathogenic (3); Likely pathogenic (2). 1 of the submissions does not count toward it. Last evaluated 2025-10-25.

Conditions:
C9-related disorder. Also called: C9-related condition.
Complement component 9 deficiency (C9D). Also called: C9 deficiency. Identifiers: MedGen C3151189, MONDO:0013445, OMIM 613825.

Allele frequency attached by ClinVar (database versions not stated): TOPMed 0.00002; gnomAD 0.00005; ESP Exome Variant Server 0.00015; 1000 Genomes Project 30x 0.00016.

Submissions (6):

Labcorp Genetics (formerly Invitae), Labcorp
Classification: Pathogenic. Last evaluated: 2025-10-25. Review status: criteria provided, single submitter. Criteria: Invitae Variant Classification Sherloc (09022015). Collection method: clinical testing. Allele origin: germline.
Comment: This sequence change creates a premature translational stop signal (p.Arg154*) in the C9 gene. It is expected to result in an absent or disrupted protein product. Loss-of-function variants in C9 are known to be pathogenic (PMID: 9144525, 9570574). This variant is present in population databases (rs144138616, gnomAD 0.02%). This premature translational stop signal has been observed in individual(s) with C9 deficiency (PMID: 9144525). It has also been observed to segregate with disease in related individuals. ClinVar contains an entry for this variant (Variation ID: 1029525). For these reasons, this variant has been classified as Pathogenic.

PreventionGenetics, part of Exact Sciences
Classification: Pathogenic for C9-related condition. Last evaluated: 2025-08-05. Review status: criteria provided, single submitter. Criteria: ACMG Guidelines, 2015. Collection method: clinical testing. Allele origin: germline.
Comment: The C9 c.460C>T variant is predicted to result in premature protein termination (p.Arg154*). This variant was reported in the compound heterozygous state and shown to segregate with disease in a family with complement component 9 deficiency (Witzel-Schlömp et al. 1997. PubMed ID: 9144525). This variant is reported in 0.017% of alleles in individuals of Latino descent in gnomAD Nonsense variants in C9 are expected to be pathogenic. This variant is interpreted as pathogenic.

Department of Pathology and Laboratory Medicine, Sinai Health System
Classification: Pathogenic for Complement component 9 deficiency. Last evaluated: 2022-11-14. Review status: criteria provided, single submitter. Criteria: ACMG Guidelines, 2015. Collection method: research. Allele origin: germline.

GeneDx
Classification: Likely pathogenic. Last evaluated: 2022-01-17. Review status: criteria provided, single submitter. Criteria: GeneDx Variant Classification Process June 2021. Collection method: clinical testing. Allele origin: germline. Affected: yes.
Comment: Nonsense variant predicted to result in protein truncation or nonsense mediated decay in a gene for which loss-of-function is a known mechanism of disease; This variant is associated with the following publications: (PMID: 25525159, 24029428, 9144525)

Dubai Health Genomic Medicine Center, Dubai Health
Classification: Likely pathogenic for Complement component 9 deficiency. Last evaluated: 2020-08-09. Review status: criteria provided, single submitter. Criteria: ACMG Guidelines, 2015. Collection method: clinical testing. Allele origin: germline. Affected: yes.

OMIM
Classification: Pathogenic for C9 DEFICIENCY. Last evaluated: 1997-05-15. Review status: no assertion criteria provided. Collection method: literature only. Allele origin: germline. Not counted in ClinVar's aggregate classification.

Literature cited by the submitters: PubMed 9144525 (cited by Labcorp Genetics (formerly Invitae), Labcorp and OMIM); PubMed 9570574 (cited by Labcorp Genetics (formerly Invitae), Labcorp).